The following is an entry in ClinVar:

NM_004369.4(COL6A3):c.8161T>C (p.Tyr2721His)

Gene: COL6A3 (collagen type VI alpha 3 chain; minus strand). Cytogenetic location: 2q37.3.
Variant type: single nucleotide variant.
Coding change: c.8161T>C on transcript NM_004369.4 (MANE Select); coding-DNA position 8161, T replaced by C.
Protein change: p.Tyr2721His; replaces tyrosine 2721 with histidine.
Molecular consequence: missense variant.
Genome position (GRCh38, 1-based): chr2:237,340,755, A>G on the plus strand (T>C on the coding strand, the complement: COL6A3 is on the minus strand). VCF-style: chr2-237340755-A-G. GRCh37 (hg19) VCF-style: chr2-238249398-A-G.
Other names: c.6340T>C, p.Tyr2114His (NM_057166.5); c.7543T>C, p.Tyr2515His (NM_057167.4); short protein forms Y2114H, Y2515H, Y2721H.
Identifiers: ClinVar variation 4540138 (VCV004540138.1).

ClinVar aggregate classification (germline): Uncertain significance (1 of 4 stars; one submission).

Submission:

GeneDx
Classification: Uncertain significance. Last evaluated: 2025-06-24. Review status: criteria provided, single submitter. Criteria: GeneDx Variant Classification Process June 2021. Collection method: clinical testing. Allele origin: germline. Affected: yes.
Comment: Not observed at significant frequency in large population cohorts (gnomAD); In silico analysis supports that this missense variant has a deleterious effect on protein structure/function; Has not been previously published as pathogenic or benign to our knowledge